The following is an entry in ClinVar:

NM_000038.6(APC):c.5996C>T (p.Pro1999Leu)

Gene: APC (APC regulator of Wnt signaling pathway; plus strand). Cytogenetic location: 5q22.2.
Variant type: single nucleotide variant.
Coding change: c.5996C>T on transcript NM_000038.6 (MANE Select); coding-DNA position 5996, C replaced by T.
Protein change: p.Pro1999Leu; replaces proline 1999 with leucine.
Molecular consequence: missense variant. On other transcripts: non-coding transcript variant (2).
Genome position (GRCh38, 1-based): chr5:112,841,590, C>T. VCF-style: chr5-112841590-C-T. GRCh37 (hg19) VCF-style: chr5-112177287-C-T.
Other names: c.5996C>T (NM_000038.5); c.5747C>T, p.Pro1916Leu (NM_001407457.1, NM_001407454.1, NM_001407455.1 and 1 more transcripts); c.5693C>T, p.Pro1898Leu (NM_001407458.1, NM_001407459.1, NM_001407460.1 and 1 more transcripts); c.5609C>T, p.Pro1870Leu (NM_001407467.1, NM_001407469.1); c.5147C>T, p.Pro1716Leu (NM_001407470.1, NM_001354906.2); c.4844C>T, p.Pro1615Leu (NM_001407471.1, NM_001407472.1); c.5996C>T, p.Pro1999Leu (NM_001127510.3, NM_001354895.2, NM_001407450.1); c.5942C>T, p.Pro1981Leu (NM_001127511.3); and 12 more; short protein forms P1870L, P1873L, P1958L, P1974L, P1989L, P1992L, P2027L, P1615L.
Identifiers: ClinVar variation 2838881 (VCV002838881.4), dbSNP rs1554087137, ClinGen allele CA16034458.

ClinVar aggregate classification (germline): Uncertain significance. Review status: criteria provided, multiple submitters, no conflicts (2 of 4 stars). 2 submissions from 2 submitters: Uncertain significance (2). Last evaluated 2025-12-26.

Conditions:
Familial adenomatous polyposis 1 (FAP1). Also called: FAMILIAL ADENOMATOUS POLYPOSIS 1, ATTENUATED; POLYPOSIS, ADENOMATOUS INTESTINAL. Identifiers: MedGen C2713442, MONDO:0021056, OMIM 175100. Disease mechanism: loss of function.
Hereditary cancer-predisposing syndrome. Also called: Tumor predisposition; Neoplastic Syndromes, Hereditary; Hereditary Cancer Syndrome; Hereditary neoplastic syndrome. Identifiers: Orphanet 140162, MedGen C0027672, MeSH D009386, MONDO:0015356.

Submissions (2):

Ambry Genetics
Classification: Uncertain significance for Hereditary cancer-predisposing syndrome. Last evaluated: 2025-12-26. Review status: criteria provided, single submitter. Criteria: Ambry Variant Classification Scheme 2023. Collection method: clinical testing. Allele origin: germline.
Comment: The p.P1999L variant (also known as c.5996C>T), located in coding exon 15 of the APC gene, results from a C to T substitution at nucleotide position 5996. The proline at codon 1999 is replaced by leucine, an amino acid with similar properties. This amino acid position is conserved. In addition, in silico predictors for this gene do not accurately predict pathogenicity. Based on the available evidence, the clinical significance of this variant remains unclear.

Labcorp Genetics (formerly Invitae), Labcorp
Classification: Uncertain significance for Familial adenomatous polyposis 1. Last evaluated: 2024-10-15. Review status: criteria provided, single submitter. Criteria: Invitae Variant Classification Sherloc (09022015). Collection method: clinical testing. Allele origin: germline.
Comment: This sequence change replaces proline, which is neutral and non-polar, with leucine, which is neutral and non-polar, at codon 1999 of the APC protein (p.Pro1999Leu). This variant is not present in population databases (gnomAD no frequency). This variant has not been reported in the literature in individuals affected with APC-related conditions. Invitae Evidence Modeling of protein sequence and biophysical properties (such as structural, functional, and spatial information, amino acid conservation, physicochemical variation, residue mobility, and thermodynamic stability) indicates that this missense variant is not expected to disrupt APC protein function with a negative predictive value of 95%. In summary, the available evidence is currently insufficient to determine the role of this variant in disease. Therefore, it has been classified as a Variant of Uncertain Significance.